The following is an entry in ClinVar:

ClinVar aggregate classification (germline): Conflicting classifications of pathogenicity. Review status: criteria provided, conflicting classifications (1 of 4 stars). 2 submissions from 2 submitters: Uncertain significance (1); Likely benign (1). Last evaluated 2024-08-11.

Conditions:
Cardiovascular phenotype. Identifiers: MedGen CN230736.
Familial hypobetalipoproteinemia 1. Also called: Hypobetalipoproteinemia, normotriglyceridemic; Acanthocytosis with hypobetalipoproteinemia; APOB-Related Familial Hypobetalipoproteinemia. Identifiers: MedGen C4551990, MONDO:0014252, OMIM 615558.
Hypercholesterolemia, autosomal dominant, type B (FHCL2). Also called: Familial hypercholesterolemia 2; APOB-Related Familial Hypercholesterolemia, Autosomal Dominant; HYPERCHOLESTEROLEMIA, FAMILIAL, DUE TO LIGAND-DEFECTIVE APOLIPOPROTEIN B; Hyperlipoproteinemia Type IIb; Familial Hypercholesterolemia Type B; APOLIPOPROTEIN B-100, FAMILIAL DEFECTIVE. Identifiers: MedGen C1704417, MONDO:0007751, OMIM 144010.

Allele frequency attached by ClinVar (database versions not stated): gnomAD exomes below 0.00001 and 0.00001.
gnomAD v4.1: 2 of 1,613,416 alleles (0.00012%); highest among the groups gnomAD compares: East Asian, 0.0022%; no homozygotes.

Submissions (2):

Ambry Genetics
Classification: Uncertain significance for Cardiovascular phenotype. Last evaluated: 2024-08-11. Review status: criteria provided, single submitter. Criteria: Ambry Variant Classification Scheme 2023. Collection method: clinical testing. Allele origin: germline.
Comment: The p.I4038V variant (also known as c.12112A>G), located in coding exon 29 of the APOB gene, results from an A to G substitution at nucleotide position 12112. The isoleucine at codon 4038 is replaced by valine, an amino acid with highly similar properties. This amino acid position is conserved. In addition, this alteration is predicted to be tolerated by in silico analysis. Based on the available evidence, the clinical significance of this variant remains unclear.

Labcorp Genetics (formerly Invitae), Labcorp
Classification: Likely benign for Familial hypobetalipoproteinemia 1; Hypercholesterolemia, autosomal dominant, type B. Last evaluated: 2024-05-22. Review status: criteria provided, single submitter. Criteria: Invitae Variant Classification Sherloc (09022015). Collection method: clinical testing. Allele origin: germline.

NM_000384.3(APOB):c.12112A>G (p.Ile4038Val)

Gene: APOB (apolipoprotein B; minus strand). Cytogenetic location: 2p24.1.
Variant type: single nucleotide variant.
Coding change: c.12112A>G on transcript NM_000384.3 (MANE Select); coding-DNA position 12112, A replaced by G.
Protein change: p.Ile4038Val; replaces isoleucine 4038 with valine.
Molecular consequence: missense variant.
Genome position (GRCh38, 1-based): chr2:21,003,310, T>C on the plus strand (A>G on the coding strand, the complement: APOB is on the minus strand). VCF-style: chr2-21003310-T-C. GRCh37 (hg19) VCF-style: chr2-21226182-T-C.
Other names: short protein forms I4038V.
Identifiers: ClinVar variation 544068 (VCV000544068.12), dbSNP rs1443981616, ClinGen allele CA345972745.